The following is an entry in ClinVar:

ClinVar aggregate classification (germline): Uncertain significance (1 of 4 stars; one submission).

Conditions:
Imerslund-Grasbeck syndrome. Also called: Megaloblastic anemia due to inborn errors of metabolism; ENTEROCYTE COBALAMIN MALABSORPTION; ENTEROCYTE INTRINSIC FACTOR RECEPTOR, DEFECT OF; PERNICIOUS ANEMIA, JUVENILE, DUE TO SELECTIVE INTESTINAL MALABSORPTION OF VITAMIN B12, WITH PROTEINURIA; Imerslund-Gräsbeck syndrome. Identifiers: Orphanet 35858, MedGen C4551825, MONDO:0009853.

Submission:

Labcorp Genetics (formerly Invitae), Labcorp
Classification: Uncertain significance for Imerslund-Grasbeck syndrome. Last evaluated: 2021-12-20. Review status: criteria provided, single submitter. Criteria: Invitae Variant Classification Sherloc (09022015). Collection method: clinical testing. Allele origin: germline.
Comment: This sequence change replaces valine, which is neutral and non-polar, with methionine, which is neutral and non-polar, at codon 152 of the AMN protein (p.Val152Met). This variant is present in population databases (rs201055900, gnomAD 0.04%). This variant has not been reported in the literature in individuals affected with AMN-related conditions. Algorithms developed to predict the effect of missense changes on protein structure and function are either unavailable or do not agree on the potential impact of this missense change (SIFT: "Deleterious"; PolyPhen-2: "Probably Damaging"; Align-GVGD: "Class C0"). In summary, the available evidence is currently insufficient to determine the role of this variant in disease. Therefore, it has been classified as a Variant of Uncertain Significance.

NM_030943.4(AMN):c.454G>A (p.Val152Met)

Gene: AMN (amnion associated transmembrane protein; plus strand). Cytogenetic location: 14q32.32.
Variant type: single nucleotide variant.
Coding change: c.454G>A on transcript NM_030943.4 (MANE Select); coding-DNA position 454, G replaced by A.
Protein change: p.Val152Met; replaces valine 152 with methionine.
Molecular consequence: missense variant.
Genome position (GRCh38, 1-based): chr14:102,928,916, G>A. VCF-style: chr14-102928916-G-A. GRCh37 (hg19) VCF-style: chr14-103395253-G-A.
Other names: short protein forms V152M.
Identifiers: ClinVar variation 1906404 (VCV001906404.2), dbSNP rs201055900, ClinGen allele CA7359914.